The following is an entry in ClinVar:

NM_015178.3(RHOBTB2):c.516G>A (p.Glu172=)

Gene: RHOBTB2 (Rho related BTB domain containing 2; plus strand). Cytogenetic location: 8p21.3.
Variant type: single nucleotide variant.
Coding change: c.516G>A on transcript NM_015178.3 (MANE Select); coding-DNA position 516, G replaced by A.
Protein change: p.Glu172=; no amino-acid change (glutamic acid 172 retained).
Molecular consequence: synonymous variant.
Genome position (GRCh38, 1-based): chr8:23,006,761, G>A. VCF-style: chr8-23006761-G-A. GRCh37 (hg19) VCF-style: chr8-22864274-G-A.
Other names: c.582G>A (NM_001160036.1); c.582G>A, p.Glu194= (NM_001160036.2); c.537G>A, p.Glu179= (NM_001160037.2); c.516G>A, p.Glu172= (NM_001374791.1).
Identifiers: ClinVar variation 1595905 (VCV001595905.11), dbSNP rs772744237, ClinGen allele CA4672474.

ClinVar aggregate classification (germline): Likely benign. Review status: criteria provided, multiple submitters, no conflicts (2 of 4 stars). 4 submissions from 4 submitters: Likely benign (4). Last evaluated 2025-11-04.

Conditions:
RHOBTB2-related disorder. Also called: RHOBTB2-related condition.

Allele frequency attached by ClinVar (database versions not stated): gnomAD exomes 0.00002; ExAC 0.00003; TOPMed 0.00003.

Submissions (4):

PreventionGenetics, part of Exact Sciences
Classification: Likely benign for RHOBTB2-related condition. Last evaluated: 2025-11-04. Review status: criteria provided, single submitter. Criteria: ACMG Guidelines, 2015. Collection method: clinical testing. Allele origin: germline.
Comment: This variant is classified as likely benign based on ACMG/AMP sequence variant interpretation guidelines (Richards et al. 2015 PMID: 25741868, with internal and published modifications).

Labcorp Genetics (formerly Invitae), Labcorp
Classification: Likely benign. Last evaluated: 2025-01-17. Review status: criteria provided, single submitter. Criteria: Invitae Variant Classification Sherloc (09022015). Collection method: clinical testing. Allele origin: germline.

Blueprint Genetics
Classification: Likely benign. Last evaluated: 2024-10-15. Review status: criteria provided, single submitter. Criteria: ACMG Guidelines, 2015. Collection method: clinical testing. Allele origin: germline.

Breakthrough Genomics
Classification: Likely benign. Review status: criteria provided, single submitter. Criteria: ACMG Guidelines, 2015. Collection method: not provided. Allele origin: germline. Inheritance: Autosomal dominant inheritance. Affected: yes.